The following is an entry in ClinVar:

ClinVar aggregate classification (germline): Uncertain significance (1 of 4 stars; one submission).

Conditions:
Hereditary cancer-predisposing syndrome. Also called: Neoplastic Syndromes, Hereditary; Tumor predisposition; Hereditary Cancer Syndrome; Hereditary neoplastic syndrome. Identifiers: Orphanet 140162, MedGen C0027672, MeSH D009386, MONDO:0015356.

Submission:

Ambry Genetics
Classification: Uncertain significance for Hereditary cancer-predisposing syndrome. Last evaluated: 2019-11-13. Review status: criteria provided, single submitter. Criteria: Ambry Variant Classification Scheme 2023. Collection method: clinical testing. Allele origin: germline.
Comment: The p.G792R variant (also known as c.2374G>C), located in coding exon 13 of the RET gene, results from a G to C substitution at nucleotide position 2374. The glycine at codon 792 is replaced by arginine, an amino acid with dissimilar properties. This amino acid position is highly conserved in available vertebrate species. In addition, this alteration is predicted to be deleterious by in silico analysis. Since supporting evidence is limited at this time, the clinical significance of this alteration remains unclear.

NM_020975.6(RET):c.2374G>C (p.Gly792Arg)

Gene: RET (ret proto-oncogene; plus strand). Cytogenetic location: 10q11.21.
Variant type: single nucleotide variant.
Coding change: c.2374G>C on transcript NM_020975.6 (MANE Select); coding-DNA position 2374, G replaced by C.
Protein change: p.Gly792Arg; replaces glycine 792 with arginine.
Molecular consequence: missense variant.
Genome position (GRCh38, 1-based): chr10:43,118,462, G>C. VCF-style: chr10-43118462-G-C. GRCh37 (hg19) VCF-style: chr10-43613910-G-C.
Other names: c.2374G>C, p.Gly792Arg (NM_000323.2, NM_001406743.1, NM_001406744.1 and 4 more transcripts); c.1612G>C, p.Gly538Arg (NM_001355216.2); c.2245G>C, p.Gly749Arg (NM_001406761.1, NM_001406762.1, NM_001406764.1); c.2239G>C, p.Gly747Arg (NM_001406763.1, NM_001406765.1); c.2086G>C, p.Gly696Arg (NM_001406766.1, NM_001406767.1, NM_001406770.1); c.2110G>C, p.Gly704Arg (NM_001406768.1); c.1978G>C, p.Gly660Arg (NM_001406769.1, NM_001406772.1); c.1936G>C, p.Gly646Arg (NM_001406771.1, NM_001406773.1); and 10 more; short protein forms G792R, G538R, G550R, G646R, G749R, G309R, G357R, G617R.
Identifiers: ClinVar variation 821178 (VCV000821178.6), dbSNP rs1289075493, ClinGen allele CA376555880.